The following is an entry in ClinVar:

ClinVar aggregate classification (germline): Uncertain significance (1 of 4 stars; one submission).

Conditions:
Emery-Dreifuss muscular dystrophy 5, autosomal dominant (EDMD5). Also called: EMERY-DREIFUSS MUSCULAR DYSTROPHY 5. Identifiers: Orphanet 261, MedGen C2751805, MONDO:0013072, OMIM 612999.

Submission:

Labcorp Genetics (formerly Invitae), Labcorp
Classification: Uncertain significance for Emery-Dreifuss muscular dystrophy 5, autosomal dominant. Last evaluated: 2020-02-12. Review status: criteria provided, single submitter. Criteria: Invitae Variant Classification Sherloc (09022015). Collection method: clinical testing. Allele origin: germline.
Comment: This sequence change affects codon 3721 of the SYNE2 mRNA. It is a 'silent' change, meaning that it does not change the encoded amino acid sequence of the SYNE2 protein. This variant also falls at the last nucleotide of exon 55 of the SYNE2 coding sequence, which is part of the consensus splice site for this exon. This variant is not present in population databases (ExAC no frequency). This variant has not been reported in the literature in individuals with SYNE2-related conditions. Nucleotide substitutions within the consensus splice site are a relatively common cause of aberrant splicing (PMID: 17576681, 9536098). Algorithms developed to predict the effect of sequence changes on RNA splicing suggest that this variant may disrupt the consensus splice site, but this prediction has not been confirmed by published transcriptional studies. In summary, the available evidence is currently insufficient to determine the role of this variant in disease. Therefore, it has been classified as a Variant of Uncertain Significance.

Literature cited by the submitters: PubMed 17576681; PubMed 9536098.

NM_182914.3(SYNE2):c.11163G>A (p.Lys3721=)

Gene: SYNE2 (spectrin repeat containing nuclear envelope protein 2; plus strand). Cytogenetic location: 14q23.2.
Variant type: single nucleotide variant.
Coding change: c.11163G>A on transcript NM_182914.3 (MANE Select); coding-DNA position 11163, G replaced by A.
Protein change: p.Lys3721=; no amino-acid change (lysine 3721 retained).
Molecular consequence: synonymous variant.
Genome position (GRCh38, 1-based): chr14:64,078,606, G>A. VCF-style: chr14-64078606-G-A. GRCh37 (hg19) VCF-style: chr14-64545324-G-A.
Other names: c.11163G>A, p.Lys3721= (NM_015180.6).
Identifiers: ClinVar variation 1055644 (VCV001055644.7), dbSNP rs2153609576, ClinGen allele CA486696626.
Genomic context (GRCh38, chr14:64,078,606, plus strand): 5'-TGTTGAAAAGATGTTGCAGCAGAAAAGCAAAAATATTGAGAAAGCTCAAGAAATTCAAAA[G>A]GTAAAATCCTCCTTTAACTCCCTTCAGCATTTGGTACTTCTGACCCACTCCTGCCTTGTT-3'
Protein context (NP_878918.2, residues 3711-3731): KNIEKAQEIQ[Lys3721=]KMWDELDLWH